The following is an entry in ClinVar:

NM_198578.4(LRRK2):c.7114G>C (p.Val2372Leu)

Gene: LRRK2 (leucine rich repeat kinase 2; plus strand). Cytogenetic location: 12q12.
Variant type: single nucleotide variant.
Coding change: c.7114G>C on transcript NM_198578.4 (MANE Select); coding-DNA position 7114, G replaced by C.
Protein change: p.Val2372Leu; replaces valine 2372 with leucine.
Molecular consequence: missense variant.
Genome position (GRCh38, 1-based): chr12:40,363,487, G>C. VCF-style: chr12-40363487-G-C. GRCh37 (hg19) VCF-style: chr12-40757289-G-C.
Other names: short protein forms V2372L.
Identifiers: ClinVar variation 1757235 (VCV001757235.2), dbSNP rs763786946, ClinGen allele CA6514851.

ClinVar aggregate classification (germline): Uncertain significance (1 of 4 stars; one submission).

Conditions:
Inborn genetic diseases. Identifiers: MedGen C0950123, MeSH D030342.

Allele frequency attached by ClinVar (database versions not stated): gnomAD exomes below 0.00001; ExAC 0.00001.
gnomAD v4.1: 1 of 1,612,120 alleles (0.000062%); highest among the groups gnomAD compares: Non-Finnish European, 0.000085%; no homozygotes.

Submission:

Ambry Genetics
Classification: Uncertain significance for Inborn genetic diseases. Last evaluated: 2022-10-22. Review status: criteria provided, single submitter. Criteria: Ambry Variant Classification Scheme 2023. Collection method: clinical testing. Allele origin: germline.
Comment: The p.V2372L variant (also known as c.7114G>C), located in coding exon 48 of the LRRK2 gene, results from a G to C substitution at nucleotide position 7114. The valine at codon 2372 is replaced by leucine, an amino acid with highly similar properties. This amino acid position is conserved. In addition, this alteration is predicted to be tolerated by in silico analysis. Since supporting evidence is limited at this time, the clinical significance of this alteration remains unclear.